The following is an entry in ClinVar:

NM_002890.3(RASA1):c.1327A>G (p.Met443Val)

Genes: CCNH (cyclin H; minus strand), RASA1 (RAS p21 protein activator 1; plus strand). Cytogenetic location: 5q14.3.
Variant type: single nucleotide variant.
Coding change: c.1327A>G on transcript NM_002890.3 (MANE Select); coding-DNA position 1327, A replaced by G.
Protein change: p.Met443Val; replaces methionine 443 with valine.
Molecular consequence: missense variant. On other transcripts: intron variant (1).
Genome position (GRCh38, 1-based): chr5:87,353,230, A>G. VCF-style: chr5-87353230-A-G. GRCh37 (hg19) VCF-style: chr5-86649047-A-G.
Other names: c.796A>G, p.Met266Val (NM_022650.3); c.934-40435T>C (NM_001364075.2); short protein forms M443V, M266V.
Identifiers: ClinVar variation 2161949 (VCV002161949.4), dbSNP rs952699191, ClinGen allele CA121792851.
Genomic context (GRCh38, chr5:87,353,230, plus strand): 5'-ATAGATCACTATCGAAAAGAACAGATTGTTGAAGGATATTATCTTAAGGAACCTGTACCA[A>G]TGCAGGTCAGTGTTGCATTTCTTATTGCAATAATTAGCATTTTATTTTAAAATGCATTTT-3'
Protein context (NP_002881.1, residues 433-453): EGYYLKEPVP[Met443Val]QDQEQVLNDT

ClinVar aggregate classification (germline): Uncertain significance. Review status: criteria provided, multiple submitters, no conflicts (2 of 4 stars). 2 submissions from 2 submitters: Uncertain significance (2). Last evaluated 2025-09-05.

Conditions:
Capillary malformation-arteriovenous malformation syndrome. Also called: Capillary malformation-arteriovenous malformation. Identifiers: Orphanet 137667, MedGen C1842180, MONDO:0012016.
Cardiovascular phenotype. Identifiers: MedGen CN230736.

Allele frequency attached by ClinVar (database versions not stated): TOPMed 0.00002; gnomAD exomes below 0.00001; gnomAD 0.00001.
gnomAD v4.1: 6 of 1,602,332 alleles (0.00037%); highest among the groups gnomAD compares: Non-Finnish European, 0.00043%; no homozygotes.

Submissions (2):

Labcorp Genetics (formerly Invitae), Labcorp
Classification: Uncertain significance for Capillary malformation-arteriovenous malformation syndrome. Last evaluated: 2025-09-05. Review status: criteria provided, single submitter. Criteria: Invitae Variant Classification Sherloc (09022015). Collection method: clinical testing. Allele origin: germline.
Comment: This sequence change replaces methionine, which is neutral and non-polar, with valine, which is neutral and non-polar, at codon 443 of the RASA1 protein (p.Met443Val). This variant is present in population databases (no rsID available, gnomAD 0.0009%). This variant has not been reported in the literature in individuals affected with RASA1-related conditions. ClinVar contains an entry for this variant (Variation ID: 2161949). An algorithm developed to predict the effect of missense changes on protein structure and function (PolyPhen-2) suggests that this variant is likely to be tolerated. In summary, the available evidence is currently insufficient to determine the role of this variant in disease. Therefore, it has been classified as a Variant of Uncertain Significance.

Ambry Genetics
Classification: Uncertain significance for Cardiovascular phenotype. Last evaluated: 2024-06-18. Review status: criteria provided, single submitter. Criteria: Ambry Variant Classification Scheme 2023. Collection method: clinical testing. Allele origin: germline.
Comment: The p.M443V variant (also known as c.1327A>G), located in coding exon 9 of the RASA1 gene, results from an A to G substitution at nucleotide position 1327. The methionine at codon 443 is replaced by valine, an amino acid with highly similar properties. This amino acid position is conserved. In addition, this alteration is predicted to be tolerated by in silico analysis. Based on the available evidence, the clinical significance of this variant remains unclear.